The following is an entry in ClinVar:

ClinVar aggregate classification (germline): Likely pathogenic (1 of 4 stars; one submission).

Conditions:
Primary ciliary dyskinesia 7. Also called: CILIARY DYSKINESIA, PRIMARY, 7, WITH OR WITHOUT SITUS INVERSUS. Identifiers: Orphanet 244, MedGen C2678473, MONDO:0012748, OMIM 611884.

Submission:

Juno Genomics, Hangzhou Juno Genomics, Inc
Classification: Likely pathogenic for Primary ciliary dyskinesia 7. Review status: criteria provided, single submitter. Criteria: ACMG Guidelines, 2015. Collection method: clinical testing. Allele origin: germline.
Comment: Null variant in a gene where loss of function (LOF) is a known mechanism of disease.;Absent from controls (or at extremely low frequency if recessive) in Genome Aggregation Database.

NM_001277115.2(DNAH11):c.573_583del (p.Ile192fs)

Gene: DNAH11 (dynein axonemal heavy chain 11; plus strand). Cytogenetic location: 7p15.3.
Variant type: Deletion.
Coding change: c.573_583del on transcript NM_001277115.2 (MANE Select); coding-DNA positions 573 to 583, 11 bases deleted (CATAGAAGTCA).
Protein change: p.Ile192fs; shifts the reading frame from isoleucine 192.
Molecular consequence: frameshift variant.
Genome position (GRCh38, 1-based): chr7:21,558,879-21,558,889, CATAGAAGTCA deleted; deleting any 11 consecutive bases within chr7:21,558,876-21,558,889 gives the same sequence; the c. name uses the placement nearest the transcript's 3' end. VCF-style (leftmost placement, unchanged base first): chr7-21558875-ATCACATAGAAG-A. GRCh37 (hg19) VCF-style: chr7-21598493-ATCACATAGAAG-A.
Other names: short protein forms I192fs.
Identifiers: ClinVar variation 5007198 (VCV005007198.2).